The following is an entry in ClinVar:

ClinVar aggregate classification (germline): Likely pathogenic (1 of 4 stars; one submission).

Conditions:
Citrullinemia type I (CTNL1). Also called: ASS DEFICIENCY; argininosuccinate synthetase deficiency. Identifiers: Orphanet 247525, MedGen C4721769, MONDO:0008988, OMIM 215700.

gnomAD v4.1: 1 of 1,613,952 alleles (0.000062%); highest among the groups gnomAD compares: South Asian, 0.0011%; no homozygotes.

Submission:

Natera, Inc.
Classification: Likely pathogenic for Citrullinemia type I. Last evaluated: 2025-07-25. Review status: criteria provided, single submitter. Criteria: Natera Variant Classification Schema (03/2026). Collection method: clinical testing. Allele origin: germline.
Comment: The c.372T>A variant in ASS1 is a missense variant predicted to cause substitution of aspartic acid to glutamic acid at amino acid 124. This variant is rare in the general population with a frequency below the threshold expected for the associated phenotype(s). This variant has been observed in one or more individuals affected with the associated recessive disease, as either homozygous or compound heterozygous with a second variant (PMID: 31469252). A different variant at the same position has been determined to be Pathogenic or Likely Pathogenic. Computational prediction algorithms indicate this variant is likely to affect gene or protein function. Given the available evidence, this variant is classified as Likely Pathogenic.

Literature cited by the submitters: PubMed 31469252.

NM_054012.4(ASS1):c.372T>A (p.Asp124Glu)

Gene: ASS1 (argininosuccinate synthase 1; plus strand). Cytogenetic location: 9q34.11.
Variant type: single nucleotide variant.
Coding change: c.372T>A on transcript NM_054012.4 (MANE Select); coding-DNA position 372, T replaced by A.
Protein change: p.Asp124Glu; replaces aspartic acid 124 with glutamic acid.
Molecular consequence: missense variant.
Genome position (GRCh38, 1-based): chr9:130,464,119, T>A. VCF-style: chr9-130464119-T-A. GRCh37 (hg19) VCF-style: chr9-133339506-T-A.
Other names: c.372T>A, p.Asp124Glu (NM_000050.4); short protein forms D124E.
Identifiers: ClinVar variation 4818582 (VCV004818582.1).